The following is an entry in ClinVar:

NM_014249.4(NR2E3):c.812C>T (p.Pro271Leu)

Gene: NR2E3 (nuclear receptor subfamily 2 group E member 3; plus strand). Cytogenetic location: 15q23.
Variant type: single nucleotide variant.
Coding change: c.812C>T on transcript NM_014249.4 (MANE Select); coding-DNA position 812, C replaced by T.
Protein change: p.Pro271Leu; replaces proline 271 with leucine.
Molecular consequence: missense variant.
Genome position (GRCh38, 1-based): chr15:71,813,453, C>T. VCF-style: chr15-71813453-C-T. GRCh37 (hg19) VCF-style: chr15-72105793-C-T.
Other names: c.812C>T, p.Pro271Leu (NM_016346.4); c.812C>T (NM_014249.2); short protein forms P271L.
Identifiers: ClinVar variation 5003631 (VCV005003631.2).

ClinVar aggregate classification (germline): Uncertain significance. Review status: criteria provided, multiple submitters, no conflicts (2 of 4 stars). 2 submissions from 2 submitters: Uncertain significance (2). Last evaluated 2026-08-05.

Conditions:
Inborn genetic diseases. Identifiers: MedGen C0950123, MeSH D030342.
ENHANCED S-CONE SYNDROME 1 (ESCS1). Also called: RETINOSCHISIS WITH EARLY HEMERALOPIA; FAVRE HYALOIDEORETINAL DEGENERATION. Identifiers: MedGen CN380299, OMIM 268100.

gnomAD v4.1: 2 of 1,609,912 alleles (0.00012%); highest among the groups gnomAD compares: African/African-American, 0.0027%; no homozygotes.

Submissions (2):

Ambry Genetics
Classification: Uncertain significance for Inborn genetic diseases. Last evaluated: 2026-08-05. Review status: criteria provided, single submitter. Criteria: Ambry Variant Classification Scheme 2023. Collection method: clinical testing. Allele origin: germline.

Myriad Genetics, Inc.
Classification: Uncertain significance for ENHANCED S-CONE SYNDROME 1. Last evaluated: 2026-06-10. Review status: criteria provided, single submitter. Criteria: Myriad Autosomal Dominant, Autosomal Recessive and X-Linked Classification Criteria (2023). Collection method: clinical testing. Allele origin: unknown.
Comment: NM_014249.2(NR2E3):c.812C>T(P271L) is a missense variant classified as a variant of uncertain significance in the context of enhanced S-cone syndrome. P271L has not been observed in cases with relevant disease. Relevant functional assessments of this variant are not available in the literature. P271L has not been observed in referenced population frequency databases. In summary, there is insufficient evidence to classify NM_014249.2(NR2E3):c.812C>T(P271L) as pathogenic or benign. Please note: this variant was assessed in the context of healthy population screening.